The following is an entry in ClinVar:

NM_001009944.3(PKD1):c.8459G>T (p.Ser2820Ile)

Gene: PKD1 (polycystin 1, transient receptor potential channel interacting; minus strand). Cytogenetic location: 16p13.3.
Variant type: single nucleotide variant.
Coding change: c.8459G>T on transcript NM_001009944.3 (MANE Select); coding-DNA position 8459, G replaced by T.
Protein change: p.Ser2820Ile; replaces serine 2820 with isoleucine.
Molecular consequence: missense variant.
Genome position (GRCh38, 1-based): chr16:2,103,598, C>A on the plus strand (G>T on the coding strand, the complement: PKD1 is on the minus strand). VCF-style: chr16-2103598-C-A. GRCh37 (hg19) VCF-style: chr16-2153599-C-A.
Other names: c.8459G>T (NM_001009944.2, NM_000296.3); c.8459G>T, p.Ser2820Ile (NM_000296.4); short protein forms S2820I.
Identifiers: ClinVar variation 997192 (VCV000997192.4), dbSNP rs750662535, ClinGen allele CA7830514.

ClinVar aggregate classification (germline): Uncertain significance. Review status: criteria provided, multiple submitters, no conflicts (2 of 4 stars). 3 submissions from 3 submitters: Uncertain significance (2). 1 of the submissions does not count toward it. Last evaluated 2025-04-08.

Conditions:
Polycystic kidney disease. Also called: Kidney, Polycystic; Polycystic kidney dysplasia. Identifiers: MedGen C0022680, MeSH D007690, MONDO:0020642, HP:0000113.
PKD1-related disorder. Also called: PKD1-related condition.
Inborn genetic diseases. Identifiers: MedGen C0950123, MeSH D030342.

Allele frequency attached by ClinVar (database versions not stated): TOPMed 0.00001; ExAC 0.00002; gnomAD exomes 0.00003; gnomAD below 0.00001 and 0.00001.
gnomAD v4.1: 21 of 1,610,306 alleles (0.0013%); highest among the groups gnomAD compares: South Asian, 0.015%; no homozygotes.

Submissions (3):

PreventionGenetics, part of Exact Sciences
Classification: Uncertain significance for PKD1-related condition. Last evaluated: 2025-04-08. Review status: criteria provided, single submitter. Criteria: ACMG Guidelines, 2015. Collection method: clinical testing. Allele origin: germline.
Comment: The PKD1 c.8459G>T variant is predicted to result in the amino acid substitution p.Ser2820Ile. To our knowledge, this variant has not been reported in the literature. This variant is reported in 0.020% of alleles in individuals of South Asian descent in gnomAD. At this time, the clinical significance of this variant is uncertain due to the absence of conclusive functional and genetic evidence.

Ambry Genetics
Classification: Uncertain significance for Inborn genetic diseases. Last evaluated: 2023-08-28. Review status: criteria provided, single submitter. Criteria: Ambry Variant Classification Scheme 2023. Collection method: clinical testing. Allele origin: germline.

Department of Pathology and Laboratory Medicine, Sinai Health System
Classification: Uncertain significance for Polycystic Kidney disease. Review status: no assertion criteria provided. Collection method: clinical testing. Allele origin: unknown. Affected: yes. Study: The Canadian Open Genetics Repository (COGR). Not counted in ClinVar's aggregate classification.
Comment: The PKD1 p.Ser2820Ile variant was not identified in the literature nor was it identified in the following databases: ClinVar, COGR, LOVD 3.0, ADPKD Mutation Database, or PKD1-LOVD. The variant was identified in dbSNP (ID: rs750662535), and in control databases in 8 of 244444 chromosomes at a frequency of 0.00003 (Genome Aggregation Database Feb 27, 2017). It was observed in the following populations: â€šÃ„ÃºOtherâ€šÃ„Ã¹ in 1 of 5450 chromosomes (freq: 0.0002), European Non-Finnish in 1 of 110330 chromosomes (freq: 0.000009), and South Asian in 6 of 30774 chromosomes (freq: 0.000195); but not in African, Latino, Ashkenazi Jewish, East Asian, and Finnish populations. The p.Ser2820 residue is not conserved in mammals and computational analyses (PolyPhen-2, SIFT, AlignGVGD, BLOSUM, MutationTaster) provide inconsistent predictions regarding the impact of the variant Ile to the protein; this information is not very predictive of pathogenicity. The variant occurs outside of the splicing consensus sequence and 4 of 5 in silico or computational prediction software programs (SpliceSiteFinder, MaxEntScan, NNSPLICE, GeneSplicer, HumanSpliceFinder) predict a greater than 10% difference in splicing. However, this information is not predictive enough to assume pathogenicity. In summary, based on the above information the clinical significance of this variant cannot be determined with certainty at this time. This variant is classified as a variant of uncertain significance.